The following is an entry in ClinVar:

NM_003482.4(KMT2D):c.10355+5G>A

Gene: KMT2D (lysine methyltransferase 2D; minus strand). Cytogenetic location: 12q13.12.
Variant type: single nucleotide variant.
Coding change: c.10355+5G>A on transcript NM_003482.4 (MANE Select); 5 bases into the intron after coding-DNA position 10355, G replaced by A.
Molecular consequence: intron variant.
Genome position (GRCh38, 1-based): chr12:49,034,807, C>T on the plus strand (G>A on the coding strand, the complement: KMT2D is on the minus strand). VCF-style: chr12-49034807-C-T. GRCh37 (hg19) VCF-style: chr12-49428590-C-T.
Identifiers: ClinVar variation 1962181 (VCV001962181.5), dbSNP rs1393820704, ClinGen allele CA605233891.
Genomic context (GRCh38, chr12:49,034,807, plus strand): 5'-GGGAGCCAAGAAGGGGTGTGACTGGGAAAGAAAAGGGCCAACCCCATTCCAGCCCTGAGT[C>T]TTACCTGTTCATACCAGGTGCCACCCCAATGCTGCCCTGAGCCATCACTTTCTTGATGCC-3'

ClinVar aggregate classification (germline): Uncertain significance (1 of 4 stars; one submission).

Conditions:
Kabuki syndrome. Also called: Kabuki make-up syndrome; NIIKAWA-KUROKI SYNDROME. Identifiers: Orphanet 2322, MedGen C0796004, MONDO:0016512.

Allele frequency attached by ClinVar (database versions not stated): gnomAD exomes below 0.00001.
gnomAD v4.1: 1 of 1,613,680 alleles (0.000062%); highest among the groups gnomAD compares: Admixed American, 0.0017%; no homozygotes.

Submission:

Labcorp Genetics (formerly Invitae), Labcorp
Classification: Uncertain significance for Kabuki syndrome. Last evaluated: 2022-06-03. Review status: criteria provided, single submitter. Criteria: Invitae Variant Classification Sherloc (09022015). Collection method: clinical testing. Allele origin: germline.
Comment: In summary, the available evidence is currently insufficient to determine the role of this variant in disease. Therefore, it has been classified as a Variant of Uncertain Significance. Variants that disrupt the consensus splice site are a relatively common cause of aberrant splicing (PMID: 17576681, 9536098). Algorithms developed to predict the effect of sequence changes on RNA splicing suggest that this variant may create or strengthen a splice site. This variant has not been reported in the literature in individuals affected with KMT2D-related conditions. This variant is present in population databases (no rsID available, gnomAD 0.003%). This sequence change falls in intron 35 of the KMT2D gene. It does not directly change the encoded amino acid sequence of the KMT2D protein. It affects a nucleotide within the consensus splice site.

Literature cited by the submitters: PubMed 17576681; PubMed 9536098.